The following is an entry in ClinVar:

ClinVar aggregate classification (germline): Conflicting classifications of pathogenicity. Review status: criteria provided, conflicting classifications (1 of 4 stars). 4 submissions from 4 submitters: Uncertain significance (3); Likely benign (1). Last evaluated 2025-10-07.

Conditions:
IMPG1-related disorder. Also called: IMPG1-related condition.

Allele frequency attached by ClinVar (database versions not stated): gnomAD 0.00007 and 0.00008; ESP Exome Variant Server 0.00015.

Submissions (4):

PreventionGenetics, part of Exact Sciences
Classification: Uncertain significance for IMPG1-related condition. Last evaluated: 2025-10-07. Review status: criteria provided, single submitter. Criteria: ACMG Guidelines, 2015. Collection method: clinical testing. Allele origin: germline.
Comment: The IMPG1 c.685G>A variant is predicted to result in the amino acid substitution p.Ala229Thr. To our knowledge, this variant has not been reported in the literature. This variant is reported in 0.0083% of alleles in individuals of African descent in gnomAD. At this time, the clinical significance of this variant is uncertain due to the absence of conclusive functional and genetic evidence.

Labcorp Genetics (formerly Invitae), Labcorp
Classification: Uncertain significance. Last evaluated: 2025-06-06. Review status: criteria provided, single submitter. Criteria: Invitae Variant Classification Sherloc (09022015). Collection method: clinical testing. Allele origin: germline.
Comment: This sequence change replaces alanine, which is neutral and non-polar, with threonine, which is neutral and polar, at codon 229 of the IMPG1 protein (p.Ala229Thr). This variant is present in population databases (rs141169671, gnomAD 0.009%). This variant has not been reported in the literature in individuals affected with IMPG1-related conditions. ClinVar contains an entry for this variant (Variation ID: 1055695). An algorithm developed to predict the effect of missense changes on protein structure and function outputs the following: PolyPhen-2: "Benign". The threonine amino acid residue is found in multiple mammalian species, which suggests that this missense change does not adversely affect protein function. In summary, the available evidence is currently insufficient to determine the role of this variant in disease. Therefore, it has been classified as a Variant of Uncertain Significance.

Ambry Genetics
Classification: Likely benign. Last evaluated: 2023-12-12. Review status: criteria provided, single submitter. Criteria: Ambry Variant Classification Scheme 2023. Collection method: clinical testing. Allele origin: germline.

Blueprint Genetics
Classification: Uncertain significance. Last evaluated: 2023-11-29. Review status: criteria provided, single submitter. Criteria: ACMG Guidelines, 2015. Collection method: clinical testing. Allele origin: germline.

NM_001563.4(IMPG1):c.685G>A (p.Ala229Thr)

Gene: IMPG1 (interphotoreceptor matrix proteoglycan 1; minus strand). Cytogenetic location: 6q14.1.
Variant type: single nucleotide variant.
Coding change: c.685G>A on transcript NM_001563.4 (MANE Select); coding-DNA position 685, G replaced by A.
Protein change: p.Ala229Thr; replaces alanine 229 with threonine.
Molecular consequence: missense variant.
Genome position (GRCh38, 1-based): chr6:76,018,840, C>T on the plus strand (G>A on the coding strand, the complement: IMPG1 is on the minus strand). VCF-style: chr6-76018840-C-T. GRCh37 (hg19) VCF-style: chr6-76728557-C-T.
Other names: c.451G>A, p.Ala151Thr (NM_001282368.2); c.685G>A (NM_001563.2, NM_001563.3); short protein forms A151T, A229T.
Identifiers: ClinVar variation 1055695 (VCV001055695.11), dbSNP rs141169671, ClinGen allele CA3898366.